The following is an entry in ClinVar:

NC_000019.9:g.(?_45854887)_(45859006_?)del

Gene: ERCC2 (ERCC excision repair 2, TFIIH core complex helicase subunit; minus strand). Cytogenetic location: 19q13.32.
Variant type: Deletion.
Identifiers: ClinVar variation 2423029 (VCV002423029.4).

ClinVar aggregate classification (germline): Pathogenic (1 of 4 stars; one submission).

Submission:

Labcorp Genetics (formerly Invitae), Labcorp
Classification: Pathogenic. Last evaluated: 2023-09-19. Review status: criteria provided, single submitter. Criteria: Invitae Variant Classification Sherloc (09022015). Collection method: clinical testing. Allele origin: germline.
Comment: This variant is a gross deletion of the genomic region encompassing exon(s) 16-23 of the ERCC2 gene, which includes the termination codon. This deletion extends beyond the assayed region for this gene and therefore may encompass additional genes. While this deletion is not anticipated to lead to nonsense mediated decay, it is expected to alter mRNA translation or result in a truncated protein product. This variant has not been reported in the literature in individuals affected with ERCC2-related conditions. This variant disrupts a region of the ERCC2 protein in which other variant(s) (p.Ala725Pro) have been determined to be pathogenic (PMID: 9195225, 23232694, 25002996). This suggests that this is a clinically significant region of the protein, and that variants that disrupt it are likely to be disease-causing. For these reasons, this variant has been classified as Pathogenic.

Literature cited by the submitters: PubMed 9195225; PubMed 23232694; PubMed 25002996.